The following is an entry in ClinVar:

NM_020297.4(ABCC9):c.959G>A (p.Gly320Glu)

Gene: ABCC9 (ATP binding cassette subfamily C member 9; minus strand). Cytogenetic location: 12p12.1.
Variant type: single nucleotide variant.
Coding change: c.959G>A on transcript NM_020297.4 (MANE Select); coding-DNA position 959, G replaced by A.
Protein change: p.Gly320Glu; replaces glycine 320 with glutamic acid.
Molecular consequence: missense variant.
Genome position (GRCh38, 1-based): chr12:21,912,924, C>T on the plus strand (G>A on the coding strand, the complement: ABCC9 is on the minus strand). VCF-style: chr12-21912924-C-T. GRCh37 (hg19) VCF-style: chr12-22065858-C-T.
Other names: c.959G>A, p.Gly320Glu (NM_001377273.1, NM_005691.4); c.95G>A, p.Gly32Glu (NM_001377274.1); short protein forms G320E, G32E.
Identifiers: ClinVar variation 3706819 (VCV003706819.2).
Genomic context (GRCh38, chr12:21,912,924, plus strand): 5'-GAACTTACTCCAGTTGTGTTATTTGTCCCATTCTGGGTTTCATTCACACGCTGAACTATT[C>T]CAGAAATACAAAGAGGTCCAGCAAAACCCAGTAAATCAGCCAGATAGCGGAATGTGCTAC-3'
Protein context (NP_064693.2, residues 310-330): LGFAGPLCIS[Gly320Glu]IVQRVNETQN

ClinVar aggregate classification (germline): Uncertain significance (1 of 4 stars; one submission).

Conditions:
Dilated cardiomyopathy 1O (CMD1O). Also called: CARDIOMYOPATHY, DILATED, WITH VENTRICULAR TACHYCARDIA. Identifiers: Orphanet 154, MedGen C1837839, MONDO:0012062, OMIM 608569.

Submission:

Labcorp Genetics (formerly Invitae), Labcorp
Classification: Uncertain significance for Dilated cardiomyopathy 1O. Last evaluated: 2024-07-16. Review status: criteria provided, single submitter. Criteria: Invitae Variant Classification Sherloc (09022015). Collection method: clinical testing. Allele origin: germline.
Comment: This sequence change replaces glycine, which is neutral and non-polar, with glutamic acid, which is acidic and polar, at codon 320 of the ABCC9 protein (p.Gly320Glu). This variant is not present in population databases (gnomAD no frequency). This variant has not been reported in the literature in individuals affected with ABCC9-related conditions. Advanced modeling of protein sequence and biophysical properties (such as structural, functional, and spatial information, amino acid conservation, physicochemical variation, residue mobility, and thermodynamic stability) performed at Invitae indicates that this missense variant is expected to disrupt ABCC9 protein function with a positive predictive value of 80%. In summary, the available evidence is currently insufficient to determine the role of this variant in disease. Therefore, it has been classified as a Variant of Uncertain Significance.